The following is an entry in ClinVar:

ClinVar aggregate classification (germline): Uncertain significance (1 of 4 stars; one submission).

Allele frequency attached by ClinVar (database versions not stated): gnomAD exomes below 0.00001.
gnomAD v4.1: 2 of 1,582,168 alleles (0.00013%); highest among the groups gnomAD compares: African/African-American, 0.0028%; no homozygotes.

Submission:

Labcorp Genetics (formerly Invitae), Labcorp
Classification: Uncertain significance. Last evaluated: 2022-02-22. Review status: criteria provided, single submitter. Criteria: Invitae Variant Classification Sherloc (09022015). Collection method: clinical testing. Allele origin: germline.
Comment: This sequence change replaces valine, which is neutral and non-polar, with alanine, which is neutral and non-polar, at codon 744 of the EPS8 protein (p.Val744Ala). This variant is present in population databases (no rsID available, gnomAD 0.01%). This variant has not been reported in the literature in individuals affected with EPS8-related conditions. Algorithms developed to predict the effect of missense changes on protein structure and function are either unavailable or do not agree on the potential impact of this missense change (SIFT: "Not Available"; PolyPhen-2: "Possibly Damaging"; Align-GVGD: "Not Available"). In summary, the available evidence is currently insufficient to determine the role of this variant in disease. Therefore, it has been classified as a Variant of Uncertain Significance.

NM_004447.6(EPS8):c.2231T>C (p.Val744Ala)

Gene: EPS8 (EGFR pathway substrate 8, signaling adaptor; minus strand). Cytogenetic location: 12p12.3.
Variant type: single nucleotide variant.
Coding change: c.2231T>C on transcript NM_004447.6 (MANE Select); coding-DNA position 2231, T replaced by C.
Protein change: p.Val744Ala; replaces valine 744 with alanine.
Molecular consequence: missense variant.
Genome position (GRCh38, 1-based): chr12:15,623,282, A>G on the plus strand (T>C on the coding strand, the complement: EPS8 is on the minus strand). VCF-style: chr12-15623282-A-G. GRCh37 (hg19) VCF-style: chr12-15776216-A-G.
Other names: c.2267T>C, p.Val756Ala (NM_001413831.1); c.2231T>C, p.Val744Ala (NM_001413832.1, NM_001413833.1, NM_001413834.1); c.1991T>C, p.Val664Ala (NM_001413835.1, NM_001413836.1); c.1814T>C, p.Val605Ala (NM_001413837.1); c.1451T>C, p.Val484Ala (NM_001413838.1); short protein forms V484A, V605A, V756A, V664A, V744A.
Identifiers: ClinVar variation 2101453 (VCV002101453.4), dbSNP rs1449948926, ClinGen allele CA384022813.